The following is an entry in ClinVar:

NM_024529.5(CDC73):c.13C>T (p.Leu5Phe)

Gene: CDC73 (cell division cycle 73; plus strand). Cytogenetic location: 1q31.2.
Variant type: single nucleotide variant.
Coding change: c.13C>T on transcript NM_024529.5 (MANE Select); coding-DNA position 13, C replaced by T.
Protein change: p.Leu5Phe; replaces leucine 5 with phenylalanine.
Molecular consequence: missense variant.
Genome position (GRCh38, 1-based): chr1:193,122,213, C>T. VCF-style: chr1-193122213-C-T. GRCh37 (hg19) VCF-style: chr1-193091343-C-T.
Other names: c.13C>T (NM_024529.4); short protein forms L5F.
Identifiers: ClinVar variation 1425314 (VCV001425314.9), dbSNP rs1296841626, ClinGen allele CA343972750.

ClinVar aggregate classification (germline): Uncertain significance. Review status: criteria provided, multiple submitters, no conflicts (2 of 4 stars). 2 submissions from 2 submitters: Uncertain significance (2). Last evaluated 2025-10-10.

Conditions:
Hereditary cancer-predisposing syndrome. Also called: Tumor predisposition; Hereditary neoplastic syndrome; Neoplastic Syndromes, Hereditary; Hereditary Cancer Syndrome. Identifiers: Orphanet 140162, MedGen C0027672, MeSH D009386, MONDO:0015356.
Parathyroid carcinoma (PRTC). Also called: CDC73-Related Parathyroid Carcinoma; Parathyroid gland carcinoma. Identifiers: Orphanet 143, MedGen C0687150, MONDO:0012004, OMIM 608266, HP:0006780.

Allele frequency attached by ClinVar (database versions not stated): TOPMed below 0.00001.

Submissions (2):

Ambry Genetics
Classification: Uncertain significance for Hereditary cancer-predisposing syndrome. Last evaluated: 2025-10-10. Review status: criteria provided, single submitter. Criteria: Ambry Variant Classification Scheme 2023. Collection method: clinical testing. Allele origin: germline.
Comment: The p.L5F variant (also known as c.13C>T), located in coding exon 1 of the CDC73 gene, results from a C to T substitution at nucleotide position 13. The leucine at codon 5 is replaced by phenylalanine, an amino acid with highly similar properties. This amino acid position is highly conserved in available vertebrate species. In addition, this alteration is predicted to be deleterious by in silico analysis. Based on the available evidence, the clinical significance of this variant remains unclear.

Labcorp Genetics (formerly Invitae), Labcorp
Classification: Uncertain significance for Parathyroid carcinoma. Last evaluated: 2024-04-08. Review status: criteria provided, single submitter. Criteria: Invitae Variant Classification Sherloc (09022015). Collection method: clinical testing. Allele origin: germline.
Comment: This sequence change replaces leucine, which is neutral and non-polar, with phenylalanine, which is neutral and non-polar, at codon 5 of the CDC73 protein (p.Leu5Phe). This variant is not present in population databases (gnomAD no frequency). This variant has not been reported in the literature in individuals affected with CDC73-related conditions. ClinVar contains an entry for this variant (Variation ID: 1425314). Advanced modeling of protein sequence and biophysical properties (such as structural, functional, and spatial information, amino acid conservation, physicochemical variation, residue mobility, and thermodynamic stability) performed at Invitae indicates that this missense variant is expected to disrupt CDC73 protein function with a positive predictive value of 80%. In summary, the available evidence is currently insufficient to determine the role of this variant in disease. Therefore, it has been classified as a Variant of Uncertain Significance.